The following is an entry in ClinVar:

ClinVar aggregate classification (germline): Uncertain significance (1 of 4 stars; one submission).

Conditions:
Cardiovascular phenotype. Identifiers: MedGen CN230736.

Allele frequency attached by ClinVar (database versions not stated): TOPMed below 0.00001.

Submission:

Ambry Genetics
Classification: Uncertain significance for Cardiovascular phenotype. Last evaluated: 2020-03-29. Review status: criteria provided, single submitter. Criteria: Ambry Variant Classification Scheme 2023. Collection method: clinical testing. Allele origin: germline.
Comment: The p.S17544P variant (also known as c.52630T>C), located in coding exon 153 of the TTN gene, results from a T to C substitution at nucleotide position 52630. The serine at codon 17544 is replaced by proline, an amino acid with similar properties. This amino acid position is well conserved in available vertebrate species. In addition, this alteration is predicted to be tolerated by in silico analysis. Since supporting evidence is limited at this time, the clinical significance of this alteration remains unclear.

NM_001267550.2(TTN):c.79825T>C (p.Ser26609Pro)

Genes: TTN (titin; minus strand), TTN-AS1 (TTN antisense RNA 1; plus strand). Cytogenetic location: 2q31.2.
Variant type: single nucleotide variant.
Coding change: c.79825T>C on transcript NM_001267550.2 (MANE Select); coding-DNA position 79825, T replaced by C.
Protein change: p.Ser26609Pro; replaces serine 26609 with proline.
Molecular consequence: missense variant.
Genome position (GRCh38, 1-based): chr2:178,566,307, A>G on the plus strand (T>C on the coding strand, the complement: TTN is on the minus strand). VCF-style: chr2-178566307-A-G. GRCh37 (hg19) VCF-style: chr2-179431034-A-G.
Other names: c.74902T>C, p.Ser24968Pro (NM_001256850.1); c.52630T>C, p.Ser17544Pro (NM_003319.4); c.72121T>C, p.Ser24041Pro (NM_133378.4); c.53005T>C, p.Ser17669Pro (NM_133432.3); c.53206T>C, p.Ser17736Pro (NM_133437.4); short protein forms S24041P, S26609P, S17736P, S17669P, S24968P, S17544P.
Identifiers: ClinVar variation 1746456 (VCV001746456.2), dbSNP rs1328705248, ClinGen allele CA349593532.